The following is an entry in ClinVar:

ClinVar aggregate classification (germline): Likely benign (1 of 4 stars; one submission).

gnomAD v4.1: 6 of 1,211,748 alleles (0.0005%); highest among the groups gnomAD compares: African/African-American, 0.0017%; no homozygotes.

Submission:

CeGaT Center for Human Genetics Tuebingen
Classification: Likely benign. Last evaluated: 2026-08-01. Review status: criteria provided, single submitter. Criteria: CeGaT Center For Human Genetics Tuebingen Variant Classification Criteria Version 2. Collection method: clinical testing. Allele origin: germline. Affected: yes. Observed: 1 variant allele.
Comment: FAM47A: BP4, BS2

NM_203408.4(FAM47A):c.1853T>A (p.Leu618Gln)

Gene: FAM47A (family with sequence similarity 47 member A; minus strand). Cytogenetic location: Xp21.1.
Variant type: single nucleotide variant.
Coding change: c.1853T>A on transcript NM_203408.4 (MANE Select); coding-DNA position 1853, T replaced by A.
Protein change: p.Leu618Gln; replaces leucine 618 with glutamine.
Molecular consequence: missense variant.
Genome position (GRCh38, 1-based): chrX:34,130,426, A>T on the plus strand (T>A on the coding strand, the complement: FAM47A is on the minus strand). VCF-style: chrX-34130426-A-T. GRCh37 (hg19) VCF-style: chrX-34148543-A-T.
Other names: short protein forms L618Q.
Identifiers: ClinVar variation 5039315 (VCV005039315.1).